The following is an entry in ClinVar:

ClinVar aggregate classification (germline): Pathogenic (1 of 4 stars; one submission).

Conditions:
Ataxia-telangiectasia-like disorder (ATLD). Identifiers: MedGen C1858391, MONDO:0011457.

Submission:

Labcorp Genetics (formerly Invitae), Labcorp
Classification: Pathogenic for Ataxia-telangiectasia-like disorder. Last evaluated: 2023-02-28. Review status: criteria provided, single submitter. Criteria: Invitae Variant Classification Sherloc (09022015). Collection method: clinical testing. Allele origin: germline.
Comment: This variant has not been reported in the literature in individuals affected with MRE11-related conditions. This variant is not present in population databases (gnomAD no frequency). This sequence change creates a premature translational stop signal (p.Val474*) in the MRE11 gene. It is expected to result in an absent or disrupted protein product. Loss-of-function variants in MRE11 are known to be pathogenic (PMID: 23080121, 23912341). For these reasons, this variant has been classified as Pathogenic.

Literature cited by the submitters: PubMed 23080121; PubMed 23912341.

NM_005591.4(MRE11):c.1419del (p.Leu473_Val474insTer)

Gene: MRE11 (MRE11 double strand break repair nuclease; minus strand). Cytogenetic location: 11q21.
Variant type: Deletion.
Coding change: c.1419del on transcript NM_005591.4 (MANE Select); coding-DNA position 1419, one base deleted (A; older notation c.1419delA).
Protein change: p.Leu473_Val474insTer.
Molecular consequence: frameshift variant.
Genome position (GRCh38, 1-based): chr11:94,459,489, T deleted on the plus strand (A on the coding strand, the reverse complement: MRE11 is on the minus strand). VCF-style (leftmost placement, unchanged base first): chr11-94459488-CT-C. GRCh37 (hg19) VCF-style: chr11-94192654-CT-C.
Other names: c.1419del, p.Leu473_Val474insTer (NM_001330347.2, NM_005590.4).
Identifiers: ClinVar variation 2867494 (VCV002867494.3), dbSNP rs2496385772, ClinGen allele CA2739270776.